The following is an entry in ClinVar:

NM_000256.3(MYBPC3):c.3808G>A (p.Val1270Met)

Gene: MYBPC3 (myosin binding protein C3; minus strand). Cytogenetic location: 11p11.2.
Variant type: single nucleotide variant.
Coding change: c.3808G>A on transcript NM_000256.3 (MANE Select); coding-DNA position 3808, G replaced by A.
Protein change: p.Val1270Met; replaces valine 1270 with methionine.
Molecular consequence: missense variant.
Genome position (GRCh38, 1-based): chr11:47,332,078, C>T on the plus strand (G>A on the coding strand, the complement: MYBPC3 is on the minus strand). VCF-style: chr11-47332078-C-T. GRCh37 (hg19) VCF-style: chr11-47353629-C-T.
Other names: c.3808G>A, p.Val1270Met (LRG_386t1); short protein forms V1270M.
Identifiers: ClinVar variation 524991 (VCV000524991.8), dbSNP rs1064796634, ClinGen allele CA380310387.

ClinVar aggregate classification (germline): Uncertain significance (1 of 4 stars; one submission).

Conditions:
Hypertrophic cardiomyopathy. Also called: HYPERTROPHIC MYOCARDIOPATHY. Identifiers: Orphanet 217569, MedGen C0007194, MeSH D002312, MONDO:0005045, HP:0001639.

gnomAD v4.1: 3 of 1,609,872 alleles (0.00019%); highest among the groups gnomAD compares: Middle Eastern, 0.017%; no homozygotes.

Submission:

Labcorp Genetics (formerly Invitae), Labcorp
Classification: Uncertain significance for Hypertrophic cardiomyopathy. Last evaluated: 2025-02-05. Review status: criteria provided, single submitter. Criteria: Invitae Variant Classification Sherloc (09022015). Collection method: clinical testing. Allele origin: germline.
Comment: This sequence change replaces valine, which is neutral and non-polar, with methionine, which is neutral and non-polar, at codon 1270 of the MYBPC3 protein (p.Val1270Met). This variant is not present in population databases (gnomAD no frequency). This missense change has been observed in individual(s) with hypertrophic cardiomyopathy (PMID: 33782553). ClinVar contains an entry for this variant (Variation ID: 524991). An algorithm developed to predict the effect of missense changes on protein structure and function (PolyPhen-2) suggests that this variant is likely to be disruptive. In summary, the available evidence is currently insufficient to determine the role of this variant in disease. Therefore, it has been classified as a Variant of Uncertain Significance.

Literature cited by the submitters: PubMed 33782553.